The following is an entry in ClinVar:

NM_001830.4(CLCN4):c.1552A>G (p.Met518Val)

Gene: CLCN4 (chloride voltage-gated channel 4; plus strand). Cytogenetic location: Xp22.2.
Variant type: single nucleotide variant.
Coding change: c.1552A>G on transcript NM_001830.4 (MANE Select); coding-DNA position 1552, A replaced by G.
Protein change: p.Met518Val; replaces methionine 518 with valine.
Molecular consequence: missense variant.
Genome position (GRCh38, 1-based): chrX:10,212,629, A>G. VCF-style: chrX-10212629-A-G. GRCh37 (hg19) VCF-style: chrX-10180669-A-G.
Other names: c.1270A>G, p.Met424Val (NM_001256944.2); short protein forms M518V, M424V.
Identifiers: ClinVar variation 959428 (VCV000959428.10), dbSNP rs1924590010, ClinGen allele CA412041188.

ClinVar aggregate classification (germline): Uncertain significance. Review status: criteria provided, multiple submitters, no conflicts (2 of 4 stars). 2 submissions from 2 submitters: Uncertain significance (2). Last evaluated 2025-09-26.

Conditions:
Inborn genetic diseases. Identifiers: MedGen C0950123, MeSH D030342.

Allele frequency attached by ClinVar (database versions not stated): gnomAD exomes below 0.00001.
gnomAD v4.1: 1 of 1,181,199 alleles (0.000085%); highest among the groups gnomAD compares: Non-Finnish European, 0.00011%; no homozygotes.

Submissions (2):

Ambry Genetics
Classification: Uncertain significance for Inborn genetic diseases. Last evaluated: 2025-09-26. Review status: criteria provided, single submitter. Criteria: Ambry Variant Classification Scheme 2023. Collection method: clinical testing. Allele origin: germline.

Labcorp Genetics (formerly Invitae), Labcorp
Classification: Uncertain significance. Last evaluated: 2025-02-26. Review status: criteria provided, single submitter. Criteria: Invitae Variant Classification Sherloc (09022015). Collection method: clinical testing. Allele origin: germline.
Comment: This sequence change replaces methionine, which is neutral and non-polar, with valine, which is neutral and non-polar, at codon 518 of the CLCN4 protein (p.Met518Val). This variant is not present in population databases (gnomAD no frequency). This variant has not been reported in the literature in individuals affected with CLCN4-related conditions. ClinVar contains an entry for this variant (Variation ID: 959428). Invitae Evidence Modeling of protein sequence and biophysical properties (such as structural, functional, and spatial information, amino acid conservation, physicochemical variation, residue mobility, and thermodynamic stability) has been performed for this missense variant. However, the output from this modeling did not meet the statistical confidence thresholds required to predict the impact of this variant on CLCN4 protein function. In summary, the available evidence is currently insufficient to determine the role of this variant in disease. Therefore, it has been classified as a Variant of Uncertain Significance.